The following is an entry in ClinVar:

ClinVar aggregate classification (germline): Conflicting classifications of pathogenicity. Review status: criteria provided, conflicting classifications (1 of 4 stars). 7 submissions from 7 submitters: Uncertain significance (1); Benign (1); Likely benign (2). 3 of the submissions do not count toward it. Last evaluated 2026-09-01.

Conditions:
ALG12-related disorder. Also called: ALG12-related condition.
ALG12-congenital disorder of glycosylation (CDG1G). Also called: ALG12-CDG; Congenital disorder of glycosylation, type Ig; CDG Ig. Identifiers: Orphanet 79324, MedGen C2931001, MONDO:0011783, OMIM 607143.

Allele frequency attached by ClinVar (database versions not stated): gnomAD 0.00169 and 0.00184; TOPMed 0.00184; 1000 Genomes Project 0.00200; 1000 Genomes Project 30x 0.00219; gnomAD exomes 0.00236 and 0.00277; ESP Exome Variant Server 0.00246; ExAC 0.00283.
gnomAD v4.1: 4,293 of 1,614,108 alleles (0.27%); highest among the groups gnomAD compares: Middle Eastern, 0.76%; 16 homozygotes.

Submissions (7):

CeGaT Center for Human Genetics Tuebingen
Classification: Likely benign. Last evaluated: 2026-09-01. Review status: criteria provided, single submitter. Criteria: CeGaT Center For Human Genetics Tuebingen Variant Classification Criteria Version 2. Collection method: clinical testing. Allele origin: germline. Affected: yes. Observed: 9 variant alleles.
Comment: ALG12: BP4, BS2

Labcorp Genetics (formerly Invitae), Labcorp
Classification: Benign for ALG12-congenital disorder of glycosylation. Last evaluated: 2026-01-28. Review status: criteria provided, single submitter. Criteria: Invitae Variant Classification Sherloc (09022015). Collection method: clinical testing. Allele origin: germline.

Blueprint Genetics
Classification: Likely benign. Last evaluated: 2024-11-18. Review status: criteria provided, single submitter. Criteria: ACMG Guidelines, 2015. Collection method: clinical testing. Allele origin: germline.

Illumina Laboratory Services, Illumina
Classification: Uncertain significance for ALG12-congenital disorder of glycosylation. Last evaluated: 2018-01-13. Review status: criteria provided, single submitter. Criteria: ICSL Variant Classification Criteria 13 December 2019. Collection method: clinical testing. Allele origin: germline.

PreventionGenetics, part of Exact Sciences
Classification: Likely benign for ALG12-related condition. Last evaluated: 2022-07-19. Review status: no assertion criteria provided. Collection method: clinical testing. Allele origin: germline. Not counted in ClinVar's aggregate classification.
Comment: This variant is classified as likely benign based on ACMG/AMP sequence variant interpretation guidelines (Richards et al. 2015 PMID: 25741868, with internal and published modifications).

Clinical Genetics DNA and cytogenetics Diagnostics Lab, Erasmus MC, Erasmus Medical Center
Classification: Likely benign. Review status: no assertion criteria provided. Collection method: clinical testing. Allele origin: germline. Affected: yes. Study: VKGL Data-share Consensus. Not counted in ClinVar's aggregate classification.

Laboratory of Diagnostic Genome Analysis, Leiden University Medical Center (LUMC)
Classification: Likely benign. Review status: no assertion criteria provided. Collection method: clinical testing. Allele origin: germline. Affected: yes. Study: VKGL Data-share Consensus. Not counted in ClinVar's aggregate classification.

NM_024105.4(ALG12):c.359G>A (p.Arg120Gln)

Gene: ALG12 (ALG12 alpha-1,6-mannosyltransferase; minus strand). Cytogenetic location: 22q13.33.
Variant type: single nucleotide variant.
Coding change: c.359G>A on transcript NM_024105.4 (MANE Select); coding-DNA position 359, G replaced by A.
Protein change: p.Arg120Gln; replaces arginine 120 with glutamine.
Molecular consequence: missense variant.
Genome position (GRCh38, 1-based): chr22:49,910,544, C>T on the plus strand (G>A on the coding strand, the complement: ALG12 is on the minus strand). VCF-style: chr22-49910544-C-T. GRCh37 (hg19) VCF-style: chr22-50304192-C-T.
Other names: short protein forms R120Q.
Identifiers: ClinVar variation 342057 (VCV000342057.45), dbSNP rs117687848, ClinGen allele CA10300643.